The following is an entry in ClinVar:

ClinVar aggregate classification (germline): Conflicting classifications of pathogenicity. Review status: criteria provided, conflicting classifications (1 of 4 stars). 4 submissions from 4 submitters: Uncertain significance (2); Likely benign (1). 1 of the submissions does not count toward it. Last evaluated 2026-05-26.

Conditions:
PSEN2-related disorder. Also called: PSEN2-related condition.
Alzheimer disease 4 (AD4). Identifiers: Orphanet 1020, MedGen C1847200, MONDO:0011743, OMIM 606889.

Allele frequency attached by ClinVar (database versions not stated): TOPMed 0.00005; ExAC 0.00007; ESP Exome Variant Server 0.00023.

Submissions (4):

Women's Health and Genetics/Laboratory Corporation of America, LabCorp
Classification: Uncertain significance. Last evaluated: 2026-05-26. Review status: criteria provided, single submitter. Criteria: LabCorp Variant Classification Summary - May 2015. Collection method: clinical testing. Allele origin: germline.
Comment: Variant summary: PSEN2 c.1139C>A (p.Thr380Lys) results in a non-conservative amino acid change in the encoded protein sequence. Algorithms developed to predict the effect of missense changes on protein structure and function all suggest that this variant is likely to be disruptive. The variant allele was found at a frequency of 0.00011 in 251174 control chromosomes. This frequency is not significantly higher than estimated for disease-causing variants in PSEN2, allowing no conclusion about variant significance. To our knowledge, no occurrence of c.1139C>A in individuals affected with PSEN2-related conditions and no experimental evidence demonstrating its impact on protein function have been reported. ClinVar contains an entry for this variant (Variation ID: 191773). Based on the evidence outlined above, the variant was classified as uncertain significance.

Labcorp Genetics (formerly Invitae), Labcorp
Classification: Likely benign for Alzheimer disease 4. Last evaluated: 2023-07-08. Review status: criteria provided, single submitter. Criteria: Invitae Variant Classification Sherloc (09022015). Collection method: clinical testing. Allele origin: germline.

Biesecker Lab/Clinical Genomics Section, National Institutes of Health
Classification: Uncertain significance. Last evaluated: 2013-06-24. Review status: criteria provided, single submitter. Criteria: Ng et al. (Circ Cardiovasc Genet. 2013). Collection method: research. Allele origin: unknown. Observed: 1 variant allele. Study: ClinSeq.
Comment: The study set was not selected for affection status in relation to any cancer. Pathogenicity categories were based on literature curation. See Pubmed ID:23861362 for details.

Medical sequencing

PreventionGenetics, part of Exact Sciences
Classification: Likely benign for PSEN2-related condition. Last evaluated: 2024-06-06. Review status: no assertion criteria provided. Collection method: clinical testing. Allele origin: germline. Not counted in ClinVar's aggregate classification.
Comment: This variant is classified as likely benign based on ACMG/AMP sequence variant interpretation guidelines (Richards et al. 2015 PMID: 25741868, with internal and published modifications).

NM_000447.3(PSEN2):c.1139C>A (p.Thr380Lys)

Gene: PSEN2 (presenilin 2; plus strand). Cytogenetic location: 1q42.13.
Variant type: single nucleotide variant.
Coding change: c.1139C>A on transcript NM_000447.3 (MANE Select); coding-DNA position 1139, C replaced by A.
Protein change: p.Thr380Lys; replaces threonine 380 with lysine.
Molecular consequence: missense variant.
Genome position (GRCh38, 1-based): chr1:226,894,073, C>A. VCF-style: chr1-226894073-C-A. GRCh37 (hg19) VCF-style: chr1-227081774-C-A.
Other names: c.1136C>A, p.Thr379Lys (NM_012486.3); short protein forms T380K, T379K.
Identifiers: ClinVar variation 191773 (VCV000191773.13), dbSNP rs143912759, ClinGen allele CA237507.